The following is an entry in ClinVar:

ClinVar aggregate classification (germline): Conflicting classifications of pathogenicity. Review status: criteria provided, conflicting classifications (1 of 4 stars). 3 submissions from 3 submitters: Uncertain significance (1); Likely benign (2). Last evaluated 2026-01-07.

Conditions:
SETX-related disorder. Also called: SETX-related disorders; SETX-related condition. Identifiers: MedGen CN239403.
Spinocerebellar ataxia, autosomal recessive, with axonal neuropathy 2 (SCAN2). Also called: Ataxia-ocular apraxia-2; Ataxia with Oculomotor Apraxia Type 2; ATAXIA-OCULOMOTOR APRAXIA 2; Ataxia with Oculomotor Apraxia. Identifiers: Orphanet 64753, MedGen C1853761, MONDO:0018996, OMIM 606002.
Amyotrophic lateral sclerosis type 4 (ALS4). Also called: NEURONOPATHY, DISTAL HEREDITARY MOTOR, WITH PYRAMIDAL FEATURES; AMYOTROPHIC LATERAL SCLEROSIS 4, JUVENILE. Identifiers: Orphanet 357043, MedGen C1865409, MONDO:0011223, OMIM 602433.

Allele frequency attached by ClinVar (database versions not stated): gnomAD exomes 0.00001; gnomAD 0.00001.
gnomAD v4.1: 16 of 1,613,976 alleles (0.00099%); highest among the groups gnomAD compares: African/African-American, 0.0013%; no homozygotes.

Submissions (3):

PreventionGenetics, part of Exact Sciences
Classification: Uncertain significance for SETX-related condition. Last evaluated: 2026-01-07. Review status: criteria provided, single submitter. Criteria: ACMG Guidelines, 2015. Collection method: clinical testing. Allele origin: germline.
Comment: The SETX c.5661A>G variant is not predicted to result in an amino acid change (p.=). This variant is predicted to alter splicing based on available splicing prediction programs (SpliceAI, Jaganathan et al. 2019. PubMed ID: 30661751). However, the use of computer prediction programs is not equivalent to functional evidence. To our knowledge, this variant has not been reported in the literature or in a large population database (gnomAD), indicating this variant is rare. At this time, the clinical significance of this variant is uncertain due to the absence of conclusive functional and genetic evidence.

Labcorp Genetics (formerly Invitae), Labcorp
Classification: Likely benign for Amyotrophic lateral sclerosis type 4; Spinocerebellar ataxia, autosomal recessive, with axonal neuropathy 2. Last evaluated: 2025-11-03. Review status: criteria provided, single submitter. Criteria: Invitae Variant Classification Sherloc (09022015). Collection method: clinical testing. Allele origin: germline.

Athena Diagnostics
Classification: Likely benign. Last evaluated: 2024-08-30. Review status: criteria provided, single submitter. Criteria: Athena Diagnostics Criteria. Collection method: clinical testing. Allele origin: unknown.

NM_015046.7(SETX):c.5661A>G (p.Gln1887=)

Gene: SETX (senataxin; minus strand). Cytogenetic location: 9q34.13.
Variant type: single nucleotide variant.
Coding change: c.5661A>G on transcript NM_015046.7 (MANE Select); coding-DNA position 5661, A replaced by G.
Protein change: p.Gln1887=; no amino-acid change (glutamine 1887 retained).
Molecular consequence: synonymous variant.
Genome position (GRCh38, 1-based): chr9:132,298,200, T>C on the plus strand (A>G on the coding strand, the complement: SETX is on the minus strand). VCF-style: chr9-132298200-T-C. GRCh37 (hg19) VCF-style: chr9-135173587-T-C.
Other names: c.5661A>G, p.Gln1887= (NM_001351527.2, NM_001351528.2); c.5661A>G (NM_015046.5).
Identifiers: ClinVar variation 1395892 (VCV001395892.8), dbSNP rs1589671916, ClinGen allele CA467428659.